The following is an entry in ClinVar:

ClinVar aggregate classification (germline): Likely benign (0 of 4 stars; one submission).

Conditions:
TBX3-related disorder. Also called: TBX3-related condition.

gnomAD v4.1: 13 of 1,575,084 alleles (0.00083%); highest among the groups gnomAD compares: African/African-American, 0.018%; no homozygotes.

Submission:

PreventionGenetics, part of Exact Sciences
Classification: Likely benign for TBX3-related condition. Last evaluated: 2024-06-10. Review status: no assertion criteria provided. Collection method: clinical testing. Allele origin: germline.
Comment: This variant is classified as likely benign based on ACMG/AMP sequence variant interpretation guidelines (Richards et al. 2015 PMID: 25741868, with internal and published modifications).

NM_005996.4(TBX3):c.1560T>A (p.Gly520=)

Gene: TBX3 (T-box transcription factor 3; minus strand). Cytogenetic location: 12q24.21.
Variant type: single nucleotide variant.
Coding change: c.1560T>A on transcript NM_005996.4 (MANE Select); coding-DNA position 1560, T replaced by A.
Protein change: p.Gly520=; no amino-acid change (glycine 520 retained).
Molecular consequence: synonymous variant.
Genome position (GRCh38, 1-based): chr12:114,674,315, A>T on the plus strand (T>A on the coding strand, the complement: TBX3 is on the minus strand). VCF-style: chr12-114674315-A-T. GRCh37 (hg19) VCF-style: chr12-115112120-A-T.
Other names: c.1620T>A, p.Gly540= (NM_016569.4).
Identifiers: ClinVar variation 3350840 (VCV003350840.1).
Genomic context (GRCh38, chr12:114,674,315, plus strand): 5'-GGCCGTGGAATCCAGGCCCGAGACACCGGTGGAGGCCCCAGAAACCGTGGCCAGGAGGGG[A>T]CCCATGCCAGCGGCCGCCATGCTGGAGAAGGCGCCCCCCATGGCAAACTGGCTGGGGTGC-3'
Protein context (NP_005987.3, residues 510-530): AFSSMAAAGM[Gly520=]PLLATVSGAS